The following is an entry in ClinVar:

ClinVar aggregate classification (germline): Pathogenic (1 of 4 stars; one submission).

Conditions:
Primary ciliary dyskinesia 3. Identifiers: Orphanet 244, MedGen C1837618, MONDO:0012085, OMIM 608644.

Submission:

Myriad Genetics, Inc.
Classification: Pathogenic for Primary ciliary dyskinesia 3. Last evaluated: 2024-05-14. Review status: criteria provided, single submitter. Criteria: Myriad Autosomal Dominant, Autosomal Recessive and X-Linked Classification Criteria (2023). Collection method: clinical testing. Allele origin: unknown.
Comment: NM_001369.2(DNAH5):c.1529_1530ins17(K510Nfs*15) is expected to be pathogenic in the context of primary ciliary dyskinesia, DNAH5-related. This variant is predicted to lead to an abnormal or absent protein product due to the creation of a premature termination codon in DNAH5, a gene where loss-of-function variants are known to be pathogenic. Please note: this variant was assessed in the context of healthy population screening.

NM_001369.3(DNAH5):c.1529_1530insTGTGTATAAGAGACAGT (p.Lys510fs)

Gene: DNAH5 (dynein axonemal heavy chain 5; minus strand). Cytogenetic location: 5p15.2.
Variant type: Insertion.
Coding change: c.1529_1530insTGTGTATAAGAGACAGT on transcript NM_001369.3 (MANE Select); coding-DNA positions 1529 to 1530, TGTGTATAAGAGACAGT inserted.
Protein change: p.Lys510fs; shifts the reading frame from lysine 510.
Molecular consequence: frameshift variant.
Genome position: GRCh38 VCF-style: chr5-13913749-T-TACTGTCTCTTATACACA. GRCh37 (hg19) VCF-style: chr5-13913858-T-TACTGTCTCTTATACACA.
Other names: short protein forms K510fs.
Identifiers: ClinVar variation 5016344 (VCV005016344.1).